The following is an entry in ClinVar:

NM_018676.4(THSD1):c.2004G>A (p.Arg668=)

Gene: THSD1 (thrombospondin type 1 domain containing 1; minus strand). Cytogenetic location: 13q14.3.
Variant type: single nucleotide variant.
Coding change: c.2004G>A on transcript NM_018676.4 (MANE Select); coding-DNA position 2004, G replaced by A.
Protein change: p.Arg668=; no amino-acid change (arginine 668 retained).
Molecular consequence: synonymous variant.
Genome position (GRCh38, 1-based): chr13:52,377,966, C>T on the plus strand (G>A on the coding strand, the complement: THSD1 is on the minus strand). VCF-style: chr13-52377966-C-T. GRCh37 (hg19) VCF-style: chr13-52952101-C-T.
Other names: c.1845G>A, p.Arg615= (NM_199263.3).
Identifiers: ClinVar variation 4874691 (VCV004874691.2).

ClinVar aggregate classification (germline): Likely benign (1 of 4 stars; one submission).

gnomAD v4.1: 2 of 1,614,156 alleles (0.00012%); highest among the groups gnomAD compares: East Asian, 0.0022%; no homozygotes.

Submission:

CeGaT Center for Human Genetics Tuebingen
Classification: Likely benign. Last evaluated: 2026-04-01. Review status: criteria provided, single submitter. Criteria: CeGaT Center For Human Genetics Tuebingen Variant Classification Criteria Version 2. Collection method: clinical testing. Allele origin: germline. Affected: yes. Observed: 1 variant allele.
Comment: THSD1: BP4, BP7